The following is an entry in ClinVar:

ClinVar aggregate classification (germline): Likely benign. Review status: criteria provided, multiple submitters, no conflicts (2 of 4 stars). 2 submissions from 2 submitters: Likely benign (2). Last evaluated 2023-03-04.

Conditions:
Ehlers-Danlos syndrome, type 4 (EDSVASC). Also called: Ehlers-Danlos syndrome vascular type; Ehlers Danlos syndrome, ecchymotic type; Ehlers Danlos syndrome, arterial type; Ehlers Danlos syndrome, Sack-Barabas type; Ehlers-Danlos Syndrome Type IV. Identifiers: Orphanet 286, MedGen C0268338, MONDO:0017314, OMIM 130050.
Familial thoracic aortic aneurysm and aortic dissection (TAAD). Also called: Thoracic aortic aneurysms and dissections. Identifiers: Orphanet 91387, MedGen C4707243, MONDO:0019625.

gnomAD v4.1: 2 of 1,608,426 alleles (0.00012%); highest among the groups gnomAD compares: Non-Finnish European, 0.000085%; no homozygotes.

Submissions (2):

All of Us Research Program, National Institutes of Health
Classification: Likely benign for Ehlers-Danlos syndrome, type 4. Last evaluated: 2023-03-04. Review status: criteria provided, single submitter. Criteria: ACMG Guidelines, 2015. Collection method: clinical testing. Allele origin: germline. Inheritance: Autosomal dominant inheritance. Observed: 1 variant allele, 1 heterozygote.
Comment: This study involves interpretation of variants in research participants for the purpose of population health screening. Participant phenotype was not available at the time of variant classification. Additional details can be found in publication PMID: 35346344, PMCID: PMC8962531

Color Diagnostics, LLC DBA Color Health
Classification: Likely benign for Familial thoracic aortic aneurysm and aortic dissection. Last evaluated: 2018-12-03. Review status: criteria provided, single submitter. Criteria: ACMG Guidelines, 2015. Collection method: clinical testing. Allele origin: germline.

NM_000090.4(COL3A1):c.531C>T (p.Gly177=)

Gene: COL3A1 (collagen type III alpha 1 chain; plus strand). Cytogenetic location: 2q32.2.
Variant type: single nucleotide variant.
Coding change: c.531C>T on transcript NM_000090.4 (MANE Select); coding-DNA position 531, C replaced by T.
Protein change: p.Gly177=; no amino-acid change (glycine 177 retained).
Molecular consequence: synonymous variant.
Genome position (GRCh38, 1-based): chr2:188,988,083, C>T. VCF-style: chr2-188988083-C-T. GRCh37 (hg19) VCF-style: chr2-189852809-C-T.
Identifiers: ClinVar variation 926406 (VCV000926406.3), dbSNP rs41272797, ClinGen allele CA62588161.
Genomic context (GRCh38, chr2:188,988,083, plus strand): 5'-TGGATAAAGTGTATTTTGCATTCATTTATTTTGTTTTTCATTCAAATTCACATTCCAGGG[C>T]CCCCCAGGCCCTCCCGGTCCCCCTGGTACATCTGGTCATCCTGGTTCCCCTGTAAGTATA-3'
Protein context (NP_000081.2, residues 167-187): GGLAGYPGPA[Gly177=]PPGPPGPPGT